The following is an entry in ClinVar:

NM_000329.3(RPE65):c.963T>G (p.Asn321Lys)

Gene: RPE65 (retinoid isomerohydrolase RPE65; minus strand). Cytogenetic location: 1p31.3.
Variant type: single nucleotide variant.
Coding change: c.963T>G on transcript NM_000329.3 (MANE Select); coding-DNA position 963, T replaced by G.
Protein change: p.Asn321Lys; replaces asparagine 321 with lysine.
Molecular consequence: missense variant.
Genome position (GRCh38, 1-based): chr1:68,438,977, A>C on the plus strand (T>G on the coding strand, the complement: RPE65 is on the minus strand). VCF-style: chr1-68438977-A-C. GRCh37 (hg19) VCF-style: chr1-68904660-A-C.
Other names: NM_000329.3(RPE65):c.963T>G; short protein forms N321K.
Identifiers: ClinVar variation 92860 (VCV000092860.49), dbSNP rs149916178, ClinGen allele CA146044.

ClinVar aggregate classification (germline): Benign. Review status: reviewed by expert panel (3 of 4 stars). 12 submissions from 11 submitters: Benign (1). 11 of the submissions do not count toward it. Last evaluated 2023-12-22.

Conditions:
RPE65-related recessive retinopathy. Also called: Recessive RPE65 retinopathy. Identifiers: MedGen CN305526, MONDO:0100368.
Leber congenital amaurosis 2 (LCA2). Also called: Autosomal Recessive RPE65-Related Retinal Degeneration; AMAUROSIS CONGENITA OF LEBER II. Identifiers: Orphanet 65, MedGen C1859844, MONDO:0008765, OMIM 204100. Disease mechanism: loss of function.
Retinitis pigmentosa 20 (RP20). Identifiers: Orphanet 791, MedGen C3151086, MONDO:0013425, OMIM 613794.
Leber congenital amaurosis (LCA). Also called: Leber's amaurosis. Identifiers: Orphanet 65, MedGen C0339527, MeSH D057130, MONDO:0018998.
Retinitis pigmentosa (RP). Identifiers: Orphanet 791, MedGen C0035334, MeSH D012174, MONDO:0019200, OMIM 268000. Inheritance: Autosomal dominant, autosomal recessive and X linked inheritance.
Joubert syndrome 9 (JBTS9). Identifiers: Orphanet 2318, MedGen C2676788, MONDO:0012849, OMIM 612285.

Allele frequency attached by ClinVar (database versions not stated): gnomAD 0.00143 and 0.00054; 1000 Genomes Project 0.00499; ESP Exome Variant Server 0.00077; gnomAD exomes 0.00278 and 0.00516; 1000 Genomes Project 30x 0.00468; ExAC 0.00536; TOPMed 0.00085.
gnomAD v4.1: 4,269 of 1,614,066 alleles (0.26%); highest among the groups gnomAD compares: South Asian, 3.5%; 99 homozygotes.

Submissions (12):

ClinGen Leber Congenital Amaurosis/early Onset Retinal Dystrophy Variant Curation Expert Panel, ClinGen
Classification: Benign for RPE65-related recessive retinopathy. Last evaluated: 2023-12-22. Review status: reviewed by expert panel. Criteria: ClinGen LCAeoRD ACMG Specifications RPE65 V1.0.0. Collection method: curation. Allele origin: germline. Inheritance: Autosomal recessive inheritance.
Comment: The NM_000329.3(RPE65):c.963T>G (p.Asn321Lys) missense variant is present in gnomAD v.2.1.1 at a GrpMax allele frequency of 0.03299, with 1063 alleles / 30614 total alleles in the South Asian population with 29 homozygotes, which is higher than the ClinGen LCA / eoRD VCEP BA1 threshold of >0.008 (BA1). This variant has been reported in at least one LCA patient, however the phenotype is not sufficiently specific to RPE65 and no second variant was described in trans, instead two CRB1 variants were identified (PMID: 18055816). The computational predictor REVEL gives a score of 0.215, which is below the ClinGen LCA/eoRD VCEP threshold of <0.3 and predicts no damaging effect on RPE65 function. Additionally, the splicing impact predictor SpliceAI gives a delta score of 0.00, which is below the ClinGen X-linked IRD VCEP recommended threshold of <0.1 and does not predict an impact on splicing (BP4). The variant exhibited 127% enzymatic activity in an isomerohydrolase assay relative to the wild-type control, which is higher than the ClinGen LCA / eoRD BS3_Supporting threshold of >50% activity, indicating that it preserves normal protein function (PMID: 19431183, BS3). In summary, this variant meets the criteria to be classified as benign for RPE65-related recessive retinopathy based on the ACMG/AMP criteria applied, as specified by the ClinGen LCA/eoRD VCEP: BA1, BS3_Supporting, BP4. (VCEP specifications version 1.0.0; date of approval 09/21/2023).

CeGaT Center for Human Genetics Tuebingen
Classification: Benign. Last evaluated: 2026-09-01. Review status: criteria provided, single submitter. Criteria: CeGaT Center For Human Genetics Tuebingen Variant Classification Criteria Version 2. Collection method: clinical testing. Allele origin: germline. Affected: yes. Observed: 16 variant alleles. Not counted in ClinVar's aggregate classification.
Comment: RPE65: BS1, BS2

Labcorp Genetics (formerly Invitae), Labcorp
Classification: Benign for Leber congenital amaurosis 2; Retinitis pigmentosa 20. Last evaluated: 2026-02-04. Review status: criteria provided, single submitter. Criteria: Invitae Variant Classification Sherloc (09022015). Collection method: clinical testing. Allele origin: germline. Not counted in ClinVar's aggregate classification.

Women's Health and Genetics/Laboratory Corporation of America, LabCorp
Classification: Likely benign. Last evaluated: 2022-02-17. Review status: criteria provided, single submitter. Criteria: LabCorp Variant Classification Summary - May 2015. Collection method: clinical testing. Allele origin: germline. Not counted in ClinVar's aggregate classification.

Pars Genome Lab
Classification: Likely benign for Leber congenital amaurosis 2. Last evaluated: 2021-05-18. Review status: criteria provided, single submitter. Criteria: ACMG Guidelines, 2015. Collection method: clinical testing. Allele origin: germline. Affected: no. Not counted in ClinVar's aggregate classification.

Illumina Laboratory Services, Illumina
Classification: Likely benign for Leber congenital amaurosis 2. Last evaluated: 2017-04-27. Review status: criteria provided, single submitter. Criteria: ICSL Variant Classification Criteria 13 December 2019. Collection method: clinical testing. Allele origin: germline. Not counted in ClinVar's aggregate classification.
Comment: This variant was observed as part of a predisposition screen in an ostensibly healthy population. A literature search was performed for the gene, cDNA change, and amino acid change (where applicable). No publications were found based on this search. Allele frequency data from public databases allowed determination this variant is unlikely to cause disease. Therefore, this variant is classified as likely benign.

Illumina Laboratory Services, Illumina
Classification: Uncertain significance for Retinitis pigmentosa. Last evaluated: 2017-04-27. Review status: criteria provided, single submitter. Criteria: ICSL Variant Classification Criteria 13 December 2019. Collection method: clinical testing. Allele origin: germline. Not counted in ClinVar's aggregate classification.

Eurofins Ntd Llc (ga)
Classification: Benign. Last evaluated: 2013-10-08. Review status: criteria provided, single submitter. Criteria: EGL Classification Definitions 2015. Collection method: clinical testing. Allele origin: germline. Observed: 2 variant alleles, 2 heterozygotes. Not counted in ClinVar's aggregate classification.

Broad Center for Mendelian Genomics, Broad Institute of MIT and Harvard
Classification: Benign for Joubert syndrome 9. Review status: criteria provided, single submitter. Criteria: ACMG Guidelines, 2015. Collection method: research. Allele origin: germline. Inheritance: Autosomal recessive inheritance. Affected: yes. Not counted in ClinVar's aggregate classification.
Comment: The heterozygous p.Asn321Lys variant in RPE65 has been identified in an individual with Leber congenital amaurosis (PMID: 10766140), but has also been identified in >3% of South Asian chromosomes and 18 homozygotes by ExAC. In summary, this variant meets criteria to be classified as benign for autosomal recessive Leber congenital amaurosis.

Natera, Inc.
Classification: Benign for Leber congenital amaurosis. Last evaluated: 2020-04-03. Review status: no assertion criteria provided. Collection method: clinical testing. Allele origin: germline. Not counted in ClinVar's aggregate classification.

Clinical Genetics DNA and cytogenetics Diagnostics Lab, Erasmus MC, Erasmus Medical Center
Classification: Likely benign. Review status: no assertion criteria provided. Collection method: clinical testing. Allele origin: germline. Affected: yes. Study: VKGL Data-share Consensus. Not counted in ClinVar's aggregate classification.

Clinical Genetics, Academic Medical Center
Classification: Benign. Review status: no assertion criteria provided. Collection method: clinical testing. Allele origin: germline. Affected: yes. Study: VKGL Data-share Consensus. Not counted in ClinVar's aggregate classification.

Literature cited by the submitters: PubMed 19431183 (cited by 3 submitters); PubMed 10766140 (cited by Broad Center for Mendelian Genomics, Broad Institute of MIT and Harvard); PubMed 16123440 (cited by Broad Center for Mendelian Genomics, Broad Institute of MIT and Harvard); PubMed 24265693 (cited by Broad Center for Mendelian Genomics, Broad Institute of MIT and Harvard).